The following is an entry in ClinVar:

ClinVar aggregate classification (germline): Conflicting classifications of pathogenicity. Review status: criteria provided, conflicting classifications (1 of 4 stars). 3 submissions from 3 submitters: Uncertain significance (2); Likely benign (1). Last evaluated 2025-08-04.

Allele frequency attached by ClinVar (database versions not stated): ExAC 0.00001; gnomAD 0.00001; gnomAD exomes 0.00002 and 0.00003; TOPMed 0.00002.
gnomAD v4.1: 43 of 1,614,096 alleles (0.0027%); highest among the groups gnomAD compares: Middle Eastern, 0.016%; no homozygotes.

Submissions (3):

Labcorp Genetics (formerly Invitae), Labcorp
Classification: Uncertain significance. Last evaluated: 2025-08-04. Review status: criteria provided, single submitter. Criteria: Invitae Variant Classification Sherloc (09022015). Collection method: clinical testing. Allele origin: germline.
Comment: This sequence change replaces alanine, which is neutral and non-polar, with threonine, which is neutral and polar, at codon 752 of the RNF43 protein (p.Ala752Thr). This variant is present in population databases (rs747371137, gnomAD 0.006%). This variant has not been reported in the literature in individuals affected with RNF43-related conditions. ClinVar contains an entry for this variant (Variation ID: 1053955). An algorithm developed to predict the effect of missense changes on protein structure and function outputs the following: PolyPhen-2: "Benign". The threonine amino acid residue is found in multiple mammalian species, which suggests that this missense change does not adversely affect protein function. In summary, the available evidence is currently insufficient to determine the role of this variant in disease. Therefore, it has been classified as a Variant of Uncertain Significance.

Ambry Genetics
Classification: Likely benign. Last evaluated: 2025-02-28. Review status: criteria provided, single submitter. Criteria: Ambry Variant Classification Scheme 2023. Collection method: clinical testing. Allele origin: germline.

GeneDx
Classification: Uncertain significance. Last evaluated: 2024-02-09. Review status: criteria provided, single submitter. Criteria: GeneDx Variant Classification Process June 2021. Collection method: clinical testing. Allele origin: germline. Affected: yes.
Comment: Not observed at significant frequency in large population cohorts (gnomAD); In silico analysis supports that this missense variant does not alter protein structure/function; Has not been previously published as pathogenic or benign to our knowledge; Variants in candidate genes are classified as variants of uncertain significance in accordance with ACMG guidelines (PMID: 25741868)

NM_017763.6(RNF43):c.2254G>A (p.Ala752Thr)

Gene: RNF43 (ring finger protein 43; minus strand). Cytogenetic location: 17q22.
Variant type: single nucleotide variant.
Coding change: c.2254G>A on transcript NM_017763.6 (MANE Select); coding-DNA position 2254, G replaced by A.
Protein change: p.Ala752Thr; replaces alanine 752 with threonine.
Molecular consequence: missense variant.
Genome position (GRCh38, 1-based): chr17:58,357,522, C>T on the plus strand (G>A on the coding strand, the complement: RNF43 is on the minus strand). VCF-style: chr17-58357522-C-T. GRCh37 (hg19) VCF-style: chr17-56434883-C-T.
Other names: c.2254G>A, p.Ala752Thr (NM_001305544.3); c.1873G>A, p.Ala625Thr (NM_001305545.2); short protein forms A625T, A752T.
Identifiers: ClinVar variation 1053955 (VCV001053955.9), dbSNP rs747371137, ClinGen allele CA8673049.